The following is an entry in ClinVar:

ClinVar aggregate classification (germline): Likely pathogenic (1 of 4 stars; one submission).

Conditions:
Focal segmental glomerulosclerosis 3, susceptibility to (FSGS3). Identifiers: Orphanet 656, MedGen C1842982, MONDO:0011917, OMIM 607832.

gnomAD v4.1: 6 of 1,612,734 alleles (0.00037%); highest among the groups gnomAD compares: South Asian, 0.0011%; no homozygotes.

Submission:

3billion
Classification: Likely pathogenic for Focal segmental glomerulosclerosis 3, susceptibility to. Last evaluated: 2025-05-29. Review status: criteria provided, single submitter. Criteria: ACMG Guidelines, 2015. Collection method: clinical testing. Allele origin: germline. Affected: yes.
Comment: The variant is observed at an extremely low frequency in the gnomAD v4.1.0 dataset (total allele frequency: <0.001%). Predicted Consequence/Location: Stop-gained (nonsense): predicted to result in a loss or disruption of normal protein function through nonsense-mediated decay (NMD) or protein truncation. Therefore, this variant is classified as Risk-allele according to the recommendation of ACMG/AMP guideline.

NM_012120.3(CD2AP):c.1234C>T (p.Arg412Ter)

Gene: CD2AP (CD2 associated protein; plus strand). Cytogenetic location: 6p12.3.
Variant type: single nucleotide variant.
Coding change: c.1234C>T on transcript NM_012120.3 (MANE Select); coding-DNA position 1234, C replaced by T.
Protein change: p.Arg412Ter; replaces arginine 412 with a stop codon.
Molecular consequence: nonsense.
Genome position (GRCh38, 1-based): chr6:47,595,986, C>T. VCF-style: chr6-47595986-C-T. GRCh37 (hg19) VCF-style: chr6-47563722-C-T.
Other names: short protein forms R412*.
Identifiers: ClinVar variation 4856314 (VCV004856314.1).